The following is an entry in ClinVar:

ClinVar aggregate classification (germline): Uncertain significance (1 of 4 stars; one submission).

Submission:

Labcorp Genetics (formerly Invitae), Labcorp
Classification: Uncertain significance. Last evaluated: 2026-01-24. Review status: criteria provided, single submitter. Criteria: Invitae Variant Classification Sherloc (09022015). Collection method: clinical testing. Allele origin: germline.
Comment: This sequence change replaces methionine, which is neutral and non-polar, with isoleucine, which is neutral and non-polar, at codon 65 of the GALNT12 protein (p.Met65Ile). This variant is not present in population databases (gnomAD no frequency). This variant has not been reported in the literature in individuals affected with GALNT12-related conditions. Experimental studies and prediction algorithms are not available or were not evaluated, and the functional significance of this variant is currently unknown. In summary, the available evidence is currently insufficient to determine the role of this variant in disease. Therefore, it has been classified as a Variant of Uncertain Significance.

NM_024642.5(GALNT12):c.195G>T (p.Met65Ile)

Gene: GALNT12 (polypeptide N-acetylgalactosaminyltransferase 12; plus strand). Cytogenetic location: 9q22.33.
Variant type: single nucleotide variant.
Coding change: c.195G>T on transcript NM_024642.5 (MANE Select); coding-DNA position 195, G replaced by T.
Protein change: p.Met65Ile; replaces methionine 65 with isoleucine.
Molecular consequence: missense variant.
Genome position (GRCh38, 1-based): chr9:98,807,893, G>T. VCF-style: chr9-98807893-G-T. GRCh37 (hg19) VCF-style: chr9-101570175-G-T.
Other names: short protein forms M65I.
Identifiers: ClinVar variation 4703913 (VCV004703913.1).